The following is an entry in ClinVar:

NM_016373.4(WWOX):c.1056+6A>T

Gene: WWOX (WW domain containing oxidoreductase; plus strand). Cytogenetic location: 16q23.1.
Variant type: single nucleotide variant.
Coding change: c.1056+6A>T on transcript NM_016373.4 (MANE Select); 6 bases into the intron after coding-DNA position 1056, A replaced by T.
Molecular consequence: intron variant.
Genome position (GRCh38, 1-based): chr16:78,432,758, A>T. VCF-style: chr16-78432758-A-T. GRCh37 (hg19) VCF-style: chr16-78466655-A-T.
Other names: c.717+6A>T (NM_001291997.2).
Identifiers: ClinVar variation 391169 (VCV000391169.1), dbSNP rs772213220, ClinGen allele CA16607428.

ClinVar aggregate classification (germline): Likely benign (1 of 4 stars; one submission).

gnomAD v4.1: 2 of 1,614,138 alleles (0.00012%); highest among the groups gnomAD compares: Non-Finnish European, 0.00017%; no homozygotes.

Submission:

GeneDx
Classification: Likely benign. Last evaluated: 2016-11-21. Review status: criteria provided, single submitter. Criteria: GeneDx Variant Classification (06012015). Collection method: clinical testing. Allele origin: germline. Affected: yes.
Comment: This variant is considered likely benign or benign based on one or more of the following criteria: it is a conservative change, it occurs at a poorly conserved position in the protein, it is predicted to be benign by multiple in silico algorithms, and/or has population frequency not consistent with disease.